The following is an entry in ClinVar:

ClinVar aggregate classification (germline): Likely pathogenic (1 of 4 stars; one submission).

Conditions:
CARMIL2-related disorder. Also called: CARMIL2-related condition.

Allele frequency attached by ClinVar (database versions not stated): gnomAD exomes below 0.00001.
gnomAD v4.1: 2 of 1,533,012 alleles (0.00013%); highest among the groups gnomAD compares: East Asian, 0.0024%; no homozygotes.

Submission:

PreventionGenetics, part of Exact Sciences
Classification: Likely pathogenic for CARMIL2-related condition. Last evaluated: 2022-12-15. Review status: criteria provided, single submitter. Criteria: ACMG Guidelines, 2015. Collection method: clinical testing. Allele origin: germline.
Comment: The CARMIL2 c.1335-2A>G variant is predicted to disrupt the AG splice acceptor site and interfere with normal splicing. To our knowledge, this variant has not been reported in the literature. This variant is reported in 0.0096% of alleles in individuals of East Asian descent in gnomAD. Variants that disrupt the consensus splice acceptor site in CARMIL2 are expected to be pathogenic. This variant is interpreted as likely pathogenic.

NM_001013838.3(CARMIL2):c.1335-2A>G

Gene: CARMIL2 (capping protein regulator and myosin 1 linker 2; plus strand). Cytogenetic location: 16q22.1.
Variant type: single nucleotide variant.
Coding change: c.1335-2A>G on transcript NM_001013838.3 (MANE Select); the canonical splice acceptor site of the intron before coding-DNA position 1335, A replaced by G.
Molecular consequence: splice acceptor variant.
Genome position (GRCh38, 1-based): chr16:67,648,396, A>G. VCF-style: chr16-67648396-A-G. GRCh37 (hg19) VCF-style: chr16-67682299-A-G.
Other names: c.1227-2A>G (NM_001317026.3).
Identifiers: ClinVar variation 2630077 (VCV002630077.1), dbSNP rs1234367830, ClinGen allele CA396336314.
Genomic context (GRCh38, chr16:67,648,396, plus strand): 5'-CGGGGGAGGCTGCTGGAAGCCGCCTCCTTGCGGCCCCAGGCCCACCTTCCCACTTCCCCC[A>G]GGAAGTCCCGCGCCGCGCCGGCCGCGCTGCAGCTCTTCCTCAGCCGCGCGCGGACGCTGC-3'